The following is an entry in ClinVar:

NM_014625.4(NPHS2):c.397del (p.Arg133fs)

Gene: NPHS2 (NPHS2 stomatin family member, podocin; minus strand). Cytogenetic location: 1q25.2.
Variant type: Deletion.
Coding change: c.397del on transcript NM_014625.4 (MANE Select); coding-DNA position 397, one base deleted (A; older notation c.397delA).
Protein change: p.Arg133fs; shifts the reading frame from arginine 133.
Molecular consequence: frameshift variant.
Genome position (GRCh38, 1-based): chr1:179,561,343, T deleted on the plus strand (A on the coding strand, the reverse complement: NPHS2 is on the minus strand); the first of 3 consecutive T bases (chr1:179,561,343-179,561,345); deleting any one gives the same sequence. VCF-style (leftmost placement, unchanged base first): chr1-179561342-CT-C. GRCh37 (hg19) VCF-style: chr1-179530477-CT-C.
Other names: c.397del, p.Arg133fs (NM_001297575.2); short protein forms R133fs.
Identifiers: ClinVar variation 1344816 (VCV001344816.10), dbSNP rs1481262338, ClinGen allele CA891819341.

ClinVar aggregate classification (germline): Pathogenic. Review status: criteria provided, multiple submitters, no conflicts (2 of 4 stars). 4 submissions from 4 submitters: Pathogenic (3). 1 of the submissions does not count toward it. Last evaluated 2024-04-20.

Conditions:
Nephrotic syndrome, type 2 (NPHS2). Also called: NEPHROTIC SYNDROME, STEROID-RESISTANT, AUTOSOMAL RECESSIVE. Identifiers: Orphanet 656, MedGen C1868672, MONDO:0010974, OMIM 600995.
Nephrotic syndrome. Identifiers: MedGen C0027726, MONDO:0005377, HP:0000100.

Submissions (4):

Fulgent Genetics
Classification: Pathogenic for Nephrotic syndrome, type 2. Last evaluated: 2024-04-20. Review status: criteria provided, single submitter. Criteria: ACMG Guidelines, 2015. Collection method: clinical testing. Allele origin: germline.

Genome-Nilou Lab
Classification: Pathogenic for Nephrotic syndrome, type 2. Last evaluated: 2023-04-11. Review status: criteria provided, single submitter. Criteria: ACMG Guidelines, 2015. Collection method: clinical testing. Allele origin: germline. Affected: no.

Labcorp Genetics (formerly Invitae), Labcorp
Classification: Pathogenic. Last evaluated: 2021-02-18. Review status: criteria provided, single submitter. Criteria: Invitae Variant Classification Sherloc (09022015). Collection method: clinical testing. Allele origin: germline.
Comment: For these reasons, this variant has been classified as Pathogenic. This variant has been observed in individual(s) with steroid-resistant nephrotic syndrome or focal segmental glomerulosclerosis (PMID: 18823551, 29982877, 29127259). This variant is not present in population databases (ExAC no frequency). This sequence change creates a premature translational stop signal (p.Arg133Glufs*2) in the NPHS2 gene. It is expected to result in an absent or disrupted protein product. Loss-of-function variants in NPHS2 are known to be pathogenic (PMID: 10742096, 14701729, 15253708, 23595123).

Yale Center for Mendelian Genomics, Yale University
Classification: Likely pathogenic for Nephrotic syndrome. Last evaluated: 2017-11-10. Review status: no assertion criteria provided. Collection method: literature only. Allele origin: germline. Affected: yes. Observed: 2 compound heterozygotes. Study: Yale Center for Mendelian Genomics. Not counted in ClinVar's aggregate classification.

Literature cited by the submitters: PubMed 18823551 (cited by Labcorp Genetics (formerly Invitae), Labcorp); PubMed 29982877 (cited by Labcorp Genetics (formerly Invitae), Labcorp); PubMed 29127259 (cited by Labcorp Genetics (formerly Invitae), Labcorp and Yale Center for Mendelian Genomics, Yale University); PubMed 10742096 (cited by Labcorp Genetics (formerly Invitae), Labcorp); PubMed 14701729 (cited by Labcorp Genetics (formerly Invitae), Labcorp); PubMed 15253708 (cited by Labcorp Genetics (formerly Invitae), Labcorp); PubMed 23595123 (cited by Labcorp Genetics (formerly Invitae), Labcorp).